The following is an entry in ClinVar:

ClinVar aggregate classification (germline): Uncertain significance (1 of 4 stars; one submission).

Conditions:
Familial thoracic aortic aneurysm and aortic dissection (TAAD). Also called: Thoracic aortic aneurysms and dissections. Identifiers: Orphanet 91387, MedGen C4707243, MONDO:0019625.

Submission:

Ambry Genetics
Classification: Uncertain significance for Familial thoracic aortic aneurysm and aortic dissection. Last evaluated: 2025-12-10. Review status: criteria provided, single submitter. Criteria: Ambry Variant Classification Scheme 2023. Collection method: clinical testing. Allele origin: germline.
Comment: The p.R546G variant (also known as c.1636C>G), located in coding exon 5 of the SKI gene, results from a C to G substitution at nucleotide position 1636. The arginine at codon 546 is replaced by glycine, an amino acid with dissimilar properties. This amino acid position is conserved. In addition, this alteration is predicted to be deleterious by in silico analysis. Based on the available evidence, the clinical significance of this variant remains unclear.

NM_003036.4(SKI):c.1636C>G (p.Arg546Gly)

Gene: SKI (SKI proto-oncogene; plus strand). Cytogenetic location: 1p36.32.
Variant type: single nucleotide variant.
Coding change: c.1636C>G on transcript NM_003036.4 (MANE Select); coding-DNA position 1636, C replaced by G.
Protein change: p.Arg546Gly; replaces arginine 546 with glycine.
Molecular consequence: missense variant.
Genome position (GRCh38, 1-based): chr1:2,304,454, C>G. VCF-style: chr1-2304454-C-G. GRCh37 (hg19) VCF-style: chr1-2235893-C-G.
Other names: short protein forms R546G.
Identifiers: ClinVar variation 4635547 (VCV004635547.1).
Genomic context (GRCh38, chr1:2,304,454, plus strand): 5'-CCTGATGCTGCGGCCCCTGCCGACGCCCCCAGTGGGCTGGAGGCGGAGCTGGAGCACCTG[C>G]GGCAGGCACTGGAGGGCGGCCTGGACACCAAGGAAGCCAAAGAGAAGTTCCTGCATGAGG-3'
Protein context (NP_003027.1, residues 536-556): SGLEAELEHL[Arg546Gly]QALEGGLDTK